The following is an entry in ClinVar:

NM_024652.6(LRRK1):c.1118-5_1118-3del

Gene: LRRK1 (leucine rich repeat kinase 1; plus strand). Cytogenetic location: 15q26.3.
Variant type: Deletion.
Coding change: c.1118-5_1118-3del on transcript NM_024652.6 (MANE Select); 5 bases into the intron before coding-DNA position 1118 through 3 bases into the intron before coding-DNA position 1118, 3 bases deleted (TTT; older notation c.1118-5_1118-3delTTT).
Molecular consequence: intron variant.
Genome position (GRCh38, 1-based): chr15:101,010,669-101,010,671, TTT deleted; deleting any 3 consecutive bases within chr15:101,010,657-101,010,671 gives the same sequence; the c. name uses the placement nearest the transcript's 3' end. VCF-style (leftmost placement, unchanged base first): chr15-101010656-CTTT-C. GRCh37 (hg19) VCF-style: chr15-101550861-CTTT-C.
Other names: NC_000015.9:g.101550874_101550876del.
Identifiers: ClinVar variation 3038005 (VCV003038005.3), dbSNP rs11300776, ClinGen allele CA7760800.
Genomic context (GRCh38, chr15:101,010,656, plus strand): 5'-TTGAGTGAATTAGTCATTTTCTTCTTGGTAGGGATATTTTTACCAATTCATACTTTGGGT[CTTT>C]TTTTTTTTTTTTAGCCACTAACTGGATAGGTTTACGGAAGCTACAGGAACTTGATATATC-3'

ClinVar aggregate classification (germline): Benign (0 of 4 stars; one submission).

Conditions:
LRRK1-related disorder. Also called: LRRK1-related condition.

Submissions (2):

PreventionGenetics, part of Exact Sciences
Classification: Benign for LRRK1-related condition. Last evaluated: 2019-02-25. Review status: no assertion criteria provided. Collection method: clinical testing. Allele origin: germline.
Comment: This variant is classified as benign based on ACMG/AMP sequence variant interpretation guidelines (Richards et al. 2015 PMID: 25741868, with internal and published modifications).

Dr. Peter K. Rogan Lab, Western University
No classification provided (evidence only). Condition: Malignant lymphoma, large B-cell, diffuse. Review status: no classification provided. Collection method: in vitro. Allele origin: not applicable. Functional consequence: retained intron. Not counted in ClinVar's aggregate classification.